The following is an entry in ClinVar:

ClinVar aggregate classification (germline): Pathogenic (1 of 4 stars; one submission).

Submission:

GeneDx
Classification: Pathogenic. Last evaluated: 2026-03-24. Review status: criteria provided, single submitter. Criteria: GeneDx Variant Classification Process June 2021. Collection method: clinical testing. Allele origin: germline.
Comment: Frameshift variant predicted to result in protein truncation or nonsense mediated decay in a gene for which loss of function is a known mechanism of disease; Not observed at significant frequency in large population cohorts (gnomAD); Has not been previously published as pathogenic or benign to our knowledge

NM_001190737.2(NFIB):c.384_397delinsCCTGGA (p.Trp128fs)

Gene: NFIB (nuclear factor I B; minus strand). Cytogenetic location: 9p22.3.
Variant type: Indel.
Coding change: c.384_397delinsCCTGGA on transcript NM_001190737.2 (MANE Select); coding-DNA positions 384 to 397, GCGTCTGGATCTAG replaced by CCTGGA.
Protein change: p.Trp128fs; shifts the reading frame from tryptophan 128.
Molecular consequence: frameshift variant. On other transcripts: intron variant (3).
Genome position (GRCh38, 1-based): chr9:14,307,154-14,307,167, CTAGATCCAGACGC replaced by TCCAGG on the plus strand (GCGTCTGGATCTAG replaced by CCTGGA on the coding strand, the reverse complement: NFIB is on the minus strand). VCF-style: chr9-14307154-CTAGATCCAGACGC-TCCAGG. GRCh37 (hg19) VCF-style: chr9-14307153-CTAGATCCAGACGC-TCCAGG.
Other names: c.462_475delinsCCTGGA, p.Trp154fs (NM_001190738.2); c.450_463delinsCCTGGA, p.Trp150fs (NM_001369458.1, NM_001369459.1, NM_001369462.1 and 1 more transcripts); c.372_385delinsCCTGGA, p.Trp124fs (NM_001369460.1, NM_001369472.1, NM_001369473.1 and 2 more transcripts); c.384_397delinsCCTGGA, p.Trp128fs (NM_001369471.1, NM_001369477.1, NM_001369481.1 and 4 more transcripts); c.369_382delinsCCTGGA, p.Trp123fs (NM_001369474.1); c.357_370delinsCCTGGA, p.Trp119fs (NM_001369476.1, NM_001369465.1, NM_001369467.1); c.325+47_325+60delinsCCTGGA (NM_001369478.1, NM_001369470.1); c.337+47_337+60delinsCCTGGA (NM_001369475.1); and 1 more; short protein forms W119fs, W123fs, W124fs, W128fs, W150fs, W154fs, W80fs.
Identifiers: ClinVar variation 5017419 (VCV005017419.1).
Genomic context (GRCh38, chr9:14,307,154, plus strand): 5'-TCATGAGCCGCTCTCCATCGGTACTTTCCAAGGGGATGCCTTTGAACAGGATCACCATGA[CTAGATCCAGACGC>TCCAGG]CAGACTTTGTCTGCCTGTCGCAGGCAGTCGATTCTCCTAATCTTACCCTTCTGGTCGGGA-3'